The following is an entry in ClinVar:

ClinVar aggregate classification (germline): Uncertain significance. Review status: criteria provided, multiple submitters, no conflicts (2 of 4 stars). 2 submissions from 2 submitters: Uncertain significance (2). Last evaluated 2025-07-08.

Conditions:
Amyotrophic lateral sclerosis type 1 (ALS1). Also called: AMYOTROPHIC LATERAL SCLEROSIS 1, FAMILIAL. Identifiers: Orphanet 803, MedGen C1862939, MONDO:0007103, OMIM 105400.
Perry syndrome. Also called: PARKINSONISM WITH ALVEOLAR HYPOVENTILATION AND MENTAL DEPRESSION. Identifiers: Orphanet 178509, MedGen C1868594, MONDO:0008201, OMIM 168605.
Neuronopathy, distal hereditary motor, type 7B. Also called: Distal Hereditary Motor Neuronopathy Type 7B (dHMN7B); NEURONOPATHY, DISTAL HEREDITARY MOTOR, AUTOSOMAL DOMINANT 14; NEURONOPATHY, DISTAL HEREDITARY MOTOR, HARDING TYPE VIIB; NEUROPATHY, DISTAL HEREDITARY MOTOR, HARDING TYPE VIIB; NEUROPATHY, DISTAL HEREDITARY MOTOR, WITH VOCAL CORD PARALYSIS, HARDING TYPE VIIB; HMN VIIB. Identifiers: Orphanet 139589, MedGen C1843315, MONDO:0011879, OMIM 607641.

Allele frequency attached by ClinVar (database versions not stated): gnomAD exomes 0.00001; ExAC 0.00004.
gnomAD v4.1: 4 of 1,573,228 alleles (0.00025%); highest among the groups gnomAD compares: Non-Finnish European, 0.00017%; no homozygotes.

Submissions (2):

Labcorp Genetics (formerly Invitae), Labcorp
Classification: Uncertain significance for Amyotrophic lateral sclerosis type 1; Neuronopathy, distal hereditary motor, type 7B; Perry syndrome. Last evaluated: 2025-07-08. Review status: criteria provided, single submitter. Criteria: Invitae Variant Classification Sherloc (09022015). Collection method: clinical testing. Allele origin: germline.
Comment: This sequence change replaces proline, which is neutral and non-polar, with leucine, which is neutral and non-polar, at codon 213 of the DCTN1 protein (p.Pro213Leu). The frequency data for this variant in the population databases is considered unreliable, as metrics indicate poor data quality at this position in the gnomAD database. This variant has not been reported in the literature in individuals affected with DCTN1-related conditions. ClinVar contains an entry for this variant (Variation ID: 577659). Invitae Evidence Modeling of protein sequence and biophysical properties (such as structural, functional, and spatial information, amino acid conservation, physicochemical variation, residue mobility, and thermodynamic stability) indicates that this missense variant is not expected to disrupt DCTN1 protein function with a negative predictive value of 95%. In summary, the available evidence is currently insufficient to determine the role of this variant in disease. Therefore, it has been classified as a Variant of Uncertain Significance.

Neuberg Centre For Genomic Medicine, NCGM
Classification: Uncertain significance for Amyotrophic lateral sclerosis type 1. Review status: criteria provided, single submitter. Criteria: ACMG Guidelines, 2015. Collection method: clinical testing. Allele origin: germline. Inheritance: Autosomal recessive inheritance. Affected: yes.
Comment: The missense variant p.P213L in DCTN1 (NM_004082.5) has not been reported previously as a pathogenic variant nor as a benign variant, to our knowledge. Although the variant is present at 0.0011% in gnomAD Exomes, it has the flag "Failed Random Forest" and may not represent the true population frequency. The p.P213L variant is novel (not in any individuals) in 1000 Genomes. This variant was found in ClinVar with a classification of Uncertain Significance. There is a moderate physicochemical difference between proline and leucine. The p.P213L missense variant is predicted to be damaging by both SIFT and PolyPhen2. The proline residue at codon 213 of DCTN1 is conserved in all mammalian species. The nucleotide c.638 in DCTN1 is predicted conserved by GERP++ and PhyloP across 100 vertebrates. For these reasons, this variant has been classified as Uncertain Significance.

NM_004082.5(DCTN1):c.638C>T (p.Pro213Leu)

Gene: DCTN1 (dynactin subunit 1; minus strand). Cytogenetic location: 2p13.1.
Variant type: single nucleotide variant.
Coding change: c.638C>T on transcript NM_004082.5 (MANE Select); coding-DNA position 638, C replaced by T.
Protein change: p.Pro213Leu; replaces proline 213 with leucine.
Molecular consequence: missense variant. On other transcripts: non-coding transcript variant (1).
Genome position (GRCh38, 1-based): chr2:74,371,544, G>A on the plus strand (C>T on the coding strand, the complement: DCTN1 is on the minus strand). VCF-style: chr2-74371544-G-A. GRCh37 (hg19) VCF-style: chr2-74598671-G-A.
Other names: c.578C>T, p.Pro193Leu (NM_001135040.3); c.236C>T, p.Pro79Leu (NM_001135041.3, NM_023019.4); c.527C>T, p.Pro176Leu (NM_001190836.2); c.617C>T, p.Pro206Leu (NM_001190837.2); c.587C>T, p.Pro196Leu (NM_001378991.1); c.569C>T, p.Pro190Leu (NM_001378992.1); short protein forms P176L, P213L, P79L, P193L, P206L, P190L, P196L.
Identifiers: ClinVar variation 577659 (VCV000577659.10), dbSNP rs754827026, ClinGen allele CA1722360.